The following is an entry in ClinVar:

NM_001127222.2(CACNA1A):c.1035C>G (p.Ile345Met)

Genes: CACNA1A (calcium voltage-gated channel subunit alpha1 A; minus strand), LOC126862866 (MED14-independent group 3 enhancer GRCh37_chr19:13445719-13446918; plus strand). Cytogenetic location: 19p13.13.
Variant type: single nucleotide variant.
Coding change: c.1035C>G on transcript NM_001127222.2 (MANE Select); coding-DNA position 1035, C replaced by G.
Protein change: p.Ile345Met; replaces isoleucine 345 with methionine.
Molecular consequence: missense variant.
Genome position (GRCh38, 1-based): chr19:13,335,853, G>C on the plus strand (C>G on the coding strand, the complement: CACNA1A is on the minus strand). VCF-style: chr19-13335853-G-C. GRCh37 (hg19) VCF-style: chr19-13446667-G-C.
Other names: c.1035C>G, p.Ile345Met (NM_000068.4, NM_001127221.2, NM_001174080.2 and 1 more transcripts); short protein forms I345M.
Identifiers: ClinVar variation 803534 (VCV000803534.14), dbSNP rs779827819, ClinGen allele CA404346760.

ClinVar aggregate classification (germline): Uncertain significance. Review status: criteria provided, multiple submitters, no conflicts (2 of 4 stars). 5 submissions from 5 submitters: Uncertain significance (5). Last evaluated 2025-08-29.

Conditions:
Episodic ataxia type 2 (EA2). Also called: EPISODIC ATAXIA, NYSTAGMUS-ASSOCIATED; ATAXIA, EPISODIC, WITH NYSTAGMUS; ATAXIA, FAMILIAL PAROXYSMAL; CEREBELLAR ATAXIA, PAROXYSMAL, ACETAZOLAMIDE-RESPONSIVE; CEREBELLOPATHY, HEREDITARY PAROXYSMAL; ACETAZOLAMIDE-RESPONSIVE HEREDITARY PAROXYSMAL CEREBELLAR ATAXIA. Identifiers: Orphanet 97, MedGen C1720416, MONDO:0007163, OMIM 108500.
Migraine, familial hemiplegic, 1. Also called: MIGRAINE, FAMILIAL HEMIPLEGIC 1, WITH PROGRESSIVE CEREBELLAR ATAXIA. Identifiers: Orphanet 569, MedGen C1832884, MONDO:0020756, OMIM 141500, MONDO:0007714.
Developmental and epileptic encephalopathy, 42 (DEE42A). Also called: Epileptic encephalopathy, early infantile, 42; DEVELOPMENTAL AND EPILEPTIC ENCEPHALOPATHY 42A; EPILEPTIC ENCEPHALOPATHY, EARLY INFANTILE, 42A. Identifiers: MedGen C4310716, MONDO:0014917, OMIM 617106.

Allele frequency attached by ClinVar (database versions not stated): TOPMed 0.00001.
gnomAD v4.1: 7 of 1,611,030 alleles (0.00043%); highest among the groups gnomAD compares: Admixed American, 0.0034%; no homozygotes.

Submissions (5):

Labcorp Genetics (formerly Invitae), Labcorp
Classification: Uncertain significance for Developmental and epileptic encephalopathy, 42; Episodic ataxia type 2. Last evaluated: 2025-08-29. Review status: criteria provided, single submitter. Criteria: Invitae Variant Classification Sherloc (09022015). Collection method: clinical testing. Allele origin: germline.
Comment: This sequence change replaces isoleucine, which is neutral and non-polar, with methionine, which is neutral and non-polar, at codon 345 of the CACNA1A protein (p.Ile345Met). This variant is present in population databases (no rsID available, gnomAD 0.006%). This missense change has been observed in individual(s) with clinical features of CACNA1A-related conditions (PMID: 33057194). ClinVar contains an entry for this variant (Variation ID: 803534). Invitae Evidence Modeling of protein sequence and biophysical properties (such as structural, functional, and spatial information, amino acid conservation, physicochemical variation, residue mobility, and thermodynamic stability) indicates that this missense variant is expected to disrupt CACNA1A protein function with a positive predictive value of 95%. In summary, the available evidence is currently insufficient to determine the role of this variant in disease. Therefore, it has been classified as a Variant of Uncertain Significance.

Institute of Human Genetics, University of Leipzig Medical Center
Classification: Uncertain significance for Migraine, familial hemiplegic, 1. Last evaluated: 2023-04-04. Review status: criteria provided, single submitter. Criteria: ACMG Guidelines, 2015. Collection method: clinical testing. Allele origin: unknown. Affected: yes.
Comment: _x000D_ Criteria applied: PM1, PS2_SUP, PM2_SUP, PP3

GeneDx
Classification: Uncertain significance. Last evaluated: 2020-07-13. Review status: criteria provided, single submitter. Criteria: GeneDx Variant Classification Process June 2021. Collection method: clinical testing. Allele origin: germline. Affected: yes.
Comment: Not observed at a significant frequency in large population cohorts (Lek et al., 2016); In silico analysis supports that this missense variant has a deleterious effect on protein structure/function; Has not been previously published as pathogenic or benign to our knowledge

Mendelics
Classification: Uncertain significance for Episodic ataxia type 2. Last evaluated: 2019-05-28. Review status: criteria provided, single submitter. Criteria: Mendelics Assertion Criteria 2017. Collection method: clinical testing. Allele origin: unknown.

Breakthrough Genomics
Classification: Uncertain significance. Review status: criteria provided, single submitter. Criteria: ACMG Guidelines, 2015. Collection method: not provided. Allele origin: germline. Inheritance: Autosomal dominant inheritance. Affected: yes.

Literature cited by the submitters: PubMed 33057194 (cited by Labcorp Genetics (formerly Invitae), Labcorp).